The following is an entry in ClinVar:

ClinVar aggregate classification (germline): Uncertain significance (1 of 4 stars; one submission).

Submission:

Labcorp Genetics (formerly Invitae), Labcorp
Classification: Uncertain significance. Last evaluated: 2024-08-30. Review status: criteria provided, single submitter. Criteria: Invitae Variant Classification Sherloc (09022015). Collection method: clinical testing. Allele origin: germline.
Comment: This variant, c.1485_1486insTCT, results in the insertion of 1 amino acid(s) of the CCDC141 protein (p.Glu495_Lys496insSer), but otherwise preserves the integrity of the reading frame. This variant is not present in population databases (gnomAD no frequency). This variant has not been reported in the literature in individuals affected with CCDC141-related conditions. In summary, the available evidence is currently insufficient to determine the role of this variant in disease. Therefore, it has been classified as a Variant of Uncertain Significance.

NM_173648.4(CCDC141):c.1485_1486insTCT (p.Glu495_Lys496insSer)

Gene: CCDC141 (coiled-coil domain containing 141; minus strand). Cytogenetic location: 2q31.2.
Variant type: Insertion.
Coding change: c.1485_1486insTCT on transcript NM_173648.4 (MANE Select); coding-DNA positions 1485 to 1486, TCT inserted.
Protein change: p.Glu495_Lys496insSer.
Molecular consequence: inframe insertion.
Genome position: GRCh38 VCF-style: chr2-178886793-T-TAGA. GRCh37 (hg19) VCF-style: chr2-179751520-T-TAGA.
Other names: c.1485_1486insTCT, p.Glu495_Lys496insSer (NM_001316745.2).
Identifiers: ClinVar variation 3007251 (VCV003007251.3), dbSNP rs2535628862, ClinGen allele CA2740095945.